The following is an entry in ClinVar:

NM_000059.4(BRCA2):c.8394_8396delinsAA (p.Arg2799fs)

Gene: BRCA2 (BRCA2 DNA repair associated; plus strand). Cytogenetic location: 13q13.1.
Variant type: Indel.
Coding change: c.8394_8396delinsAA on transcript NM_000059.4 (MANE Select); coding-DNA positions 8394 to 8396, TAG replaced by AA.
Protein change: p.Arg2799fs; shifts the reading frame from arginine 2799.
Molecular consequence: frameshift variant.
Genome position (GRCh38, 1-based): chr13:32,370,464-32,370,466, TAG replaced by AA. VCF-style: chr13-32370464-TAG-AA. GRCh37 (hg19) VCF-style: chr13-32944601-TAG-AA.
Other names: 8622delTAGinsAA; c.8394_8396delTAGinsAA (NM_000059.3); short protein forms R2799fs.
Identifiers: ClinVar variation 52573 (VCV000052573.21), dbSNP rs276174907, ClinGen allele CA025623.

ClinVar aggregate classification (germline): Pathogenic. Review status: reviewed by expert panel (3 of 4 stars). 11 submissions from 11 submitters: Pathogenic (1). 10 of the submissions do not count toward it. Last evaluated 2016-09-08.

Conditions:
BRCA2-related cancer predisposition. Identifiers: MedGen CN377758, MONDO:0700269.
Pancreatic cancer, susceptibility to, 2. Identifiers: Orphanet 1333, MedGen C3150546, MONDO:0013235, OMIM 613347.
Glioma susceptibility 3 (GLM3). Also called: Glioblastoma 3. Identifiers: Orphanet 182067, Orphanet 360, MedGen C2751641, MONDO:0013093, OMIM 613029.
Familial prostate cancer. Also called: Hereditary Prostate Cancer. Identifiers: MedGen C2931456, MONDO:0700275, OMIM 176807.
Breast-ovarian cancer, familial, susceptibility to, 2 (BROVCA2). Also called: BRCA2 Hereditary Breast and Ovarian Cancer. Identifiers: Orphanet 145, MedGen C2675520, MONDO:0012933, OMIM 612555. Disease mechanism: loss of function.
Fanconi anemia complementation group D1. Also called: BRCA2-Related Fanconi Anemia. Identifiers: Orphanet 319462, MedGen C1838457, MONDO:0011584, OMIM 605724.
Medulloblastoma (MDB). Also called: Medulloblastoma, somatic; MEDULLOBLASTOMA PREDISPOSITION SYNDROME. Identifiers: Orphanet 616, MedGen C0025149, MeSH D008527, MONDO:0007959, OMIM 155255, HP:0002885.
Wilms tumor 1 (WT1). Also called: Wilms tumor, somatic. Identifiers: Orphanet 654, MedGen CN033288, MONDO:0008679, OMIM 194070.
Familial cancer of breast. Also called: BREAST CANCER, FAMILIAL; hereditary breast carcinoma; Hereditary breast cancer. Identifiers: Orphanet 227535, MedGen C0346153, MONDO:0016419, OMIM 114480. Disease mechanism: loss of function.
Hereditary cancer-predisposing syndrome. Also called: Neoplastic Syndromes, Hereditary; Tumor predisposition; Hereditary Cancer Syndrome; Hereditary neoplastic syndrome. Identifiers: Orphanet 140162, MedGen C0027672, MeSH D009386, MONDO:0015356.
Hereditary breast ovarian cancer syndrome. Also called: Breast and ovarian cancer; Hereditary breast and ovarian cancer; Hereditary breast and ovarian cancer syndrome (HBOC); Hereditary breast and ovarian cancer syndrome; BRCA1- and BRCA2-Associated Hereditary Breast and Ovarian Cancer; Hereditary breast and/or ovarian cancer syndrome. Identifiers: Orphanet 145, MedGen C0677776, MeSH D061325, MONDO:0003582. Disease mechanism: loss of function.
Breast-ovarian cancer, familial, susceptibility to, 1 (BROVCA1). Also called: BRCA1 Hereditary Breast and Ovarian Cancer; OVARIAN CANCER, SUSCEPTIBILITY TO. Identifiers: Orphanet 145, MedGen C2676676, MONDO:0011450, OMIM 604370. Disease mechanism: loss of function.

Submissions (11):

Evidence-based Network for the Interpretation of Germline Mutant Alleles (ENIGMA)
Classification: Pathogenic for Breast-ovarian cancer, familial, susceptibility to, 2. Last evaluated: 2016-09-08. Review status: reviewed by expert panel. Criteria: ENIGMA BRCA1/2 Classification Criteria (2015). Collection method: curation. Allele origin: germline.
Comment: Variant allele predicted to encode a truncated non-functional protein.

GeneDx
Classification: Pathogenic. Last evaluated: 2026-09-17. Review status: criteria provided, single submitter. Criteria: GeneDx Variant Classification Process June 2021. Collection method: clinical testing. Allele origin: germline. Not counted in ClinVar's aggregate classification.
Comment: Frameshift variant predicted to result in protein truncation or nonsense mediated decay in a gene for which loss of function is a known mechanism of disease; Not observed at significant frequency in large population cohorts (gnomAD); Truncating variants in this gene are considered pathogenic by a well-established clinical consortium and/or database; Also known as 8622_8624delinsAA; This variant is associated with the following publications: (PMID: 22632462, 22776961, 24156927, 26681312, 12228710)

Labcorp Genetics (formerly Invitae), Labcorp
Classification: Pathogenic for Hereditary breast ovarian cancer syndrome. Last evaluated: 2025-08-04. Review status: criteria provided, single submitter. Criteria: Invitae Variant Classification Sherloc (09022015). Collection method: clinical testing. Allele origin: germline. Not counted in ClinVar's aggregate classification.
Comment: This sequence change creates a premature translational stop signal (p.Arg2799Asnfs*22) in the BRCA2 gene. It is expected to result in an absent or disrupted protein product. Loss-of-function variants in BRCA2 are known to be pathogenic (PMID: 20104584). Information on the frequency of this variant in the gnomAD database is not available, as this variant may be reported differently in the database. This premature translational stop signal has been observed in individual(s) with breast cancer, ovarian cancer, and/or pancreatic cancer (PMID: 22776961, 26681312). This variant is also known as 8622delTAGinsAA and c.8394_8396delTAGinsAA. For these reasons, this variant has been classified as Pathogenic.

Ambry Genetics
Classification: Pathogenic for Hereditary cancer-predisposing syndrome. Last evaluated: 2025-04-01. Review status: criteria provided, single submitter. Criteria: Ambry Variant Classification Scheme 2023. Collection method: clinical testing. Allele origin: germline. Not counted in ClinVar's aggregate classification.
Comment: The c.8394_8396delTAGinsAA pathogenic mutation, located in coding exon 18 of the BRCA2 gene, results from the deletion of 3 nucleotides and insertion of two nucleotides causing a translational frameshift with a predicted alternate stop codon (p.R2799Nfs*22). This variant has been identified in multiple individuals diagnosed with breast and/or ovarian cancer (Schrader KA, Obstet Gynecol 2012 Aug; 120(2 Pt 1):235-40; Tea MK, Maturitas 2014 Jan; 77(1):68-72; Susswein LR et al. Genet. Med., 2016 Aug;18:823-32). Of note, this mutation is also designated as 8622delTAGinsAA in published literature. In addition to the clinical data presented in the literature, this alteration is expected to result in loss of function by premature protein truncation or nonsense-mediated mRNA decay. As such, this alteration is interpreted as a disease-causing mutation.

Department of Pathology and Laboratory Medicine, Sinai Health System
Classification: Pathogenic for BRCA2-related cancer predisposition. Last evaluated: 2024-05-10. Review status: criteria provided, single submitter. Criteria: ACMG Guidelines, 2015. Collection method: clinical testing. Allele origin: germline. Not counted in ClinVar's aggregate classification.

Fulgent Genetics
Classification: Pathogenic for Familial cancer of breast; Medulloblastoma; Familial prostate cancer; Wilms tumor 1; Fanconi anemia complementation group D1; Breast-ovarian cancer, familial, susceptibility to, 2; Glioma susceptibility 3; Pancreatic cancer, susceptibility to, 2. Last evaluated: 2024-05-09. Review status: criteria provided, single submitter. Criteria: ACMG Guidelines, 2015. Collection method: clinical testing. Allele origin: germline. Not counted in ClinVar's aggregate classification.

Baylor Genetics
Classification: Pathogenic for Familial cancer of breast. Last evaluated: 2023-03-06. Review status: criteria provided, single submitter. Criteria: ACMG Guidelines, 2015. Collection method: clinical testing. Allele origin: unknown. Not counted in ClinVar's aggregate classification.

Department of Molecular Diagnostics, Institute of Oncology Ljubljana
Classification: Pathogenic for Breast-ovarian cancer, familial, susceptibility to, 1. Last evaluated: 2020-04-02. Review status: criteria provided, single submitter. Criteria: ACMG Guidelines, 2015. Collection method: clinical testing. Allele origin: germline. Affected: yes. Not counted in ClinVar's aggregate classification.

Consortium of Investigators of Modifiers of BRCA1/2 (CIMBA), c/o University of Cambridge
Classification: Pathogenic for Breast-ovarian cancer, familial, susceptibility to, 2. Last evaluated: 2015-10-02. Review status: criteria provided, single submitter. Criteria: CIMBA Mutation Classification guidelines May 2016. Collection method: clinical testing. Allele origin: germline. Not counted in ClinVar's aggregate classification.

Research Molecular Genetics Laboratory, Women's College Hospital, University of Toronto
Classification: Pathogenic for Hereditary breast ovarian cancer syndrome. Last evaluated: 2014-01-31. Review status: no assertion criteria provided. Collection method: research. Allele origin: germline. Affected: yes. Study: The Canadian Open Genetics Repository (COGR). Not counted in ClinVar's aggregate classification.

Breast Cancer Information Core (BIC) (BRCA2)
Classification: Pathogenic for Breast-ovarian cancer, familial 2. Last evaluated: 2002-05-29. Review status: no assertion criteria provided. Collection method: clinical testing. Allele origin: germline. Affected: yes. Observed: 3 variant alleles. Not counted in ClinVar's aggregate classification.

Literature cited by the submitters: PubMed 20104584 (cited by Labcorp Genetics (formerly Invitae), Labcorp); PubMed 22776961 (cited by 3 submitters); PubMed 26681312 (cited by 3 submitters); PubMed 22632462 (cited by Ambry Genetics); PubMed 24156927 (cited by Ambry Genetics and Department of Pathology and Laboratory Medicine, Sinai Health System).